The following is an entry in ClinVar:

NM_001170629.2(CHD8):c.7620C>T (p.Asp2540=)

Gene: CHD8 (chromodomain helicase DNA binding protein 8; minus strand). Cytogenetic location: 14q11.2.
Variant type: single nucleotide variant.
Coding change: c.7620C>T on transcript NM_001170629.2 (MANE Select); coding-DNA position 7620, C replaced by T.
Protein change: p.Asp2540=; no amino-acid change (aspartic acid 2540 retained).
Molecular consequence: synonymous variant.
Genome position (GRCh38, 1-based): chr14:21,385,739, G>A on the plus strand (C>T on the coding strand, the complement: CHD8 is on the minus strand). VCF-style: chr14-21385739-G-A. GRCh37 (hg19) VCF-style: chr14-21853898-G-A.
Other names: c.6783C>T, p.Asp2261= (NM_020920.4).
Identifiers: ClinVar variation 196999 (VCV000196999.53), dbSNP rs367905297, ClinGen allele CA244876.

ClinVar aggregate classification (germline): Conflicting classifications of pathogenicity. Review status: criteria provided, conflicting classifications (1 of 4 stars). 6 submissions from 6 submitters: Uncertain significance (1); Benign (2); Likely benign (3). Last evaluated 2026-03-01.

Conditions:
Inborn genetic diseases. Identifiers: MedGen C0950123, MeSH D030342.

Allele frequency attached by ClinVar (database versions not stated): 1000 Genomes Project 0.00040; 1000 Genomes Project 30x 0.00047; gnomAD 0.00050 and 0.00052; TOPMed 0.00058; ESP Exome Variant Server 0.00066; gnomAD exomes 0.00090; ExAC 0.00091.
gnomAD v4.1: 993 of 1,551,282 alleles (0.064%); highest among the groups gnomAD compares: Middle Eastern, 0.17%; 2 homozygotes.

Submissions (6):

CeGaT Center for Human Genetics Tuebingen
Classification: Likely benign. Last evaluated: 2026-03-01. Review status: criteria provided, single submitter. Criteria: CeGaT Center For Human Genetics Tuebingen Variant Classification Criteria Version 2. Collection method: clinical testing. Allele origin: germline. Affected: yes. Observed: 5 variant alleles.
Comment: CHD8: BP4, BP7, BS1

Labcorp Genetics (formerly Invitae), Labcorp
Classification: Benign. Last evaluated: 2026-01-28. Review status: criteria provided, single submitter. Criteria: Invitae Variant Classification Sherloc (09022015). Collection method: clinical testing. Allele origin: germline.

Blueprint Genetics
Classification: Likely benign. Last evaluated: 2024-10-21. Review status: criteria provided, single submitter. Criteria: ACMG Guidelines, 2015. Collection method: clinical testing. Allele origin: germline.

GeneDx
Classification: Benign. Last evaluated: 2020-01-24. Review status: criteria provided, single submitter. Criteria: GeneDx Variant Classification Process June 2021. Collection method: clinical testing. Allele origin: germline. Affected: yes.

Ambry Genetics
Classification: Likely benign for Inborn genetic diseases. Last evaluated: 2017-06-22. Review status: criteria provided, single submitter. Criteria: Ambry Variant Classification Scheme 2023. Collection method: clinical testing. Allele origin: germline.

Eurofins Ntd Llc (ga)
Classification: Uncertain significance. Last evaluated: 2015-05-28. Review status: criteria provided, single submitter. Criteria: EGL Classification Definitions 2015. Collection method: clinical testing. Allele origin: germline. Observed: 2 variant alleles, 2 heterozygotes.